The following is an entry in ClinVar:

NM_002645.4(PIK3C2A):c.1325A>G (p.Asp442Gly)

Gene: PIK3C2A (phosphatidylinositol-4-phosphate 3-kinase catalytic subunit type 2 alpha; minus strand). Cytogenetic location: 11p15.1.
Variant type: single nucleotide variant.
Coding change: c.1325A>G on transcript NM_002645.4 (MANE Select); coding-DNA position 1325, A replaced by G.
Protein change: p.Asp442Gly; replaces aspartic acid 442 with glycine.
Molecular consequence: missense variant.
Genome position (GRCh38, 1-based): chr11:17,150,500, T>C on the plus strand (A>G on the coding strand, the complement: PIK3C2A is on the minus strand). VCF-style: chr11-17150500-T-C. GRCh37 (hg19) VCF-style: chr11-17172047-T-C.
Other names: c.1325A>G, p.Asp442Gly (NM_001321378.2, NM_001386870.1); c.185A>G, p.Asp62Gly (NM_001321380.2); short protein forms D442G, D62G.
Identifiers: ClinVar variation 1715625 (VCV001715625.3), dbSNP rs780255108, ClinGen allele CA379767156.

ClinVar aggregate classification (germline): Uncertain significance (1 of 4 stars; one submission).

Submission:

Labcorp Genetics (formerly Invitae), Labcorp
Classification: Uncertain significance. Last evaluated: 2022-07-15. Review status: criteria provided, single submitter. Criteria: Invitae Variant Classification Sherloc (09022015). Collection method: clinical testing. Allele origin: germline.
Comment: This sequence change replaces aspartic acid, which is acidic and polar, with glycine, which is neutral and non-polar, at codon 442 of the PIK3C2A protein (p.Asp442Gly). This variant is not present in population databases (gnomAD no frequency). This variant has not been reported in the literature in individuals affected with PIK3C2A-related conditions. Algorithms developed to predict the effect of missense changes on protein structure and function are either unavailable or do not agree on the potential impact of this missense change (SIFT: "Not Available"; PolyPhen-2: "Probably Damaging"; Align-GVGD: "Not Available"). In summary, the available evidence is currently insufficient to determine the role of this variant in disease. Therefore, it has been classified as a Variant of Uncertain Significance.